The following is an entry in ClinVar:

NM_001351661.2(MACROD2):c.1232-10C>T

Gene: MACROD2 (mono-ADP ribosylhydrolase 2; plus strand). Cytogenetic location: 20p12.1.
Variant type: single nucleotide variant.
Coding change: c.1232-10C>T on transcript NM_001351661.2 (MANE Select); 10 bases into the intron before coding-DNA position 1232, C replaced by T.
Molecular consequence: intron variant.
Genome position (GRCh38, 1-based): chr20:16,044,561, C>T. VCF-style: chr20-16044561-C-T. GRCh37 (hg19) VCF-style: chr20-16025206-C-T.
Other names: c.1232-10C>T (NM_001351663.2); c.1231+3283C>T (NM_080676.6); c.608-10C>T (NM_001351664.2); c.527-10C>T (NM_001033087.2).
Identifiers: ClinVar variation 3033830 (VCV003033830.2), dbSNP rs201701473, ClinGen allele CA9769587.

ClinVar aggregate classification (germline): Likely benign (0 of 4 stars; one submission).

Conditions:
MACROD2-related disorder. Also called: MACROD2-related condition.

Allele frequency attached by ClinVar (database versions not stated): ExAC 0.00042.

Submission:

PreventionGenetics, part of Exact Sciences
Classification: Likely benign for MACROD2-related condition. Last evaluated: 2019-06-17. Review status: no assertion criteria provided. Collection method: clinical testing. Allele origin: germline.
Comment: This variant is classified as likely benign based on ACMG/AMP sequence variant interpretation guidelines (Richards et al. 2015 PMID: 25741868, with internal and published modifications).